The following is an entry in ClinVar:

ClinVar aggregate classification (germline): Benign. Review status: criteria provided, multiple submitters, no conflicts (2 of 4 stars). 2 submissions from 2 submitters: Benign (2). Last evaluated 2018-06-14.

Allele frequency attached by ClinVar (database versions not stated): gnomAD 0.03855 and 0.04143; TOPMed 0.04408; 1000 Genomes Project 0.04413; 1000 Genomes Project 30x 0.04888.
gnomAD v4.1: 5,806 of 152,164 alleles (3.8%); highest among the groups gnomAD compares: African/African-American, 13%; 370 homozygotes.

Submissions (2):

GeneDx
Classification: Benign. Last evaluated: 2018-06-14. Review status: criteria provided, single submitter. Criteria: GeneDx Variant Classification (06012015). Collection method: clinical testing. Allele origin: germline. Affected: yes.
Comment: This variant is considered likely benign or benign based on one or more of the following criteria: it is a conservative change, it occurs at a poorly conserved position in the protein, it is predicted to be benign by multiple in silico algorithms, and/or has population frequency not consistent with disease.

Breakthrough Genomics
Classification: Benign. Review status: criteria provided, single submitter. Criteria: ACMG Guidelines, 2015. Collection method: not provided. Allele origin: germline. Inheritance: Autosomal recessive inheritance. Affected: yes.

NM_001377.3(DYNC2H1):c.9820-1966C>T

Gene: DYNC2H1 (dynein cytoplasmic 2 heavy chain 1; plus strand). Cytogenetic location: 11q22.3.
Variant type: single nucleotide variant.
Coding change: c.9820-1966C>T on transcript NM_001377.3 (MANE Select); 1966 bases into the intron before coding-DNA position 9820, C replaced by T.
Molecular consequence: intron variant.
Genome position (GRCh38, 1-based): chr11:103,241,727, C>T. VCF-style: chr11-103241727-C-T. GRCh37 (hg19) VCF-style: chr11-103112456-C-T.
Other names: c.9840+180C>T (NM_001080463.2).
Identifiers: ClinVar variation 673028 (VCV000673028.2), dbSNP rs11225624, ClinGen allele CA227411282.
Genomic context (GRCh38, chr11:103,241,727, plus strand): 5'-ATGGTAACACTTCACAGGCTATTTACTAACCACATCATTGTGCTTCGAGTAGTACATTTA[C>T]GTGATGGAGCAGTAAGTGAAATCTCTAGAAATAGATGCTGGGTGATGCTCATACAGTGTA-3'